The following is an entry in ClinVar:

NM_007186.6(CEP250):c.3944T>A (p.Leu1315Gln)

Gene: CEP250 (centrosomal protein 250; plus strand). Cytogenetic location: 20q11.22.
Variant type: single nucleotide variant.
Coding change: c.3944T>A on transcript NM_007186.6 (MANE Select); coding-DNA position 3944, T replaced by A.
Protein change: p.Leu1315Gln; replaces leucine 1315 with glutamine.
Molecular consequence: missense variant.
Genome position (GRCh38, 1-based): chr20:35,501,890, T>A. VCF-style: chr20-35501890-T-A. GRCh37 (hg19) VCF-style: chr20-34089717-T-A.
Other names: c.2048T>A, p.Leu683Gln (NM_001318219.1); short protein forms L683Q, L1315Q.
Identifiers: ClinVar variation 2093700 (VCV002093700.4), dbSNP rs377363665, ClinGen allele CA9833613.

ClinVar aggregate classification (germline): Uncertain significance (1 of 4 stars; one submission).

Allele frequency attached by ClinVar (database versions not stated): TOPMed below 0.00001; ExAC 0.00001; gnomAD 0.00001; ESP Exome Variant Server 0.00008.
gnomAD v4.1: 9 of 1,613,548 alleles (0.00056%); highest among the groups gnomAD compares: Non-Finnish European, 0.00076%; no homozygotes.

Submission:

Labcorp Genetics (formerly Invitae), Labcorp
Classification: Uncertain significance. Last evaluated: 2022-02-06. Review status: criteria provided, single submitter. Criteria: Invitae Variant Classification Sherloc (09022015). Collection method: clinical testing. Allele origin: germline.
Comment: Algorithms developed to predict the effect of missense changes on protein structure and function are either unavailable or do not agree on the potential impact of this missense change (SIFT: "Not Available"; PolyPhen-2: "Probably Damaging"; Align-GVGD: "Not Available"). In summary, the available evidence is currently insufficient to determine the role of this variant in disease. Therefore, it has been classified as a Variant of Uncertain Significance. This variant has not been reported in the literature in individuals affected with CEP250-related conditions. This variant is present in population databases (rs377363665, gnomAD 0.0009%). This sequence change replaces leucine, which is neutral and non-polar, with glutamine, which is neutral and polar, at codon 1315 of the CEP250 protein (p.Leu1315Gln).